The following is an entry in ClinVar:

NM_001376571.1(MADD):c.1854T>G (p.Thr618=)

Gene: MADD (MAP kinase activating death domain; plus strand). Cytogenetic location: 11p11.2.
Variant type: single nucleotide variant.
Coding change: c.1854T>G on transcript NM_001376571.1 (MANE Select); coding-DNA position 1854, T replaced by G.
Protein change: p.Thr618=; no amino-acid change (threonine 618 retained).
Molecular consequence: synonymous variant. On other transcripts: non-coding transcript variant (8).
Genome position (GRCh38, 1-based): chr11:47,282,961, T>G. VCF-style: chr11-47282961-T-G. GRCh37 (hg19) VCF-style: chr11-47304512-T-G.
Other names: c.1854T>G, p.Thr618= (NM_001135943.2, NM_001135944.2, NM_001376572.1 and 80 more transcripts); c.1650T>G, p.Thr550= (NM_001376620.1, NM_001376626.1, NM_001376627.1 and 9 more transcripts); c.1188T>G, p.Thr396= (NM_001376663.1).
Identifiers: ClinVar variation 3024973 (VCV003024973.22), dbSNP rs1042577575, ClinGen allele CA221693304.

ClinVar aggregate classification (germline): Likely benign (1 of 4 stars; one submission).

Allele frequency attached by ClinVar (database versions not stated): TOPMed below 0.00001; gnomAD exomes 0.00001.
gnomAD v4.1: 3 of 1,613,422 alleles (0.00019%); highest among the groups gnomAD compares: Middle Eastern, 0.036%; no homozygotes.

Submission:

CeGaT Center for Human Genetics Tuebingen
Classification: Likely benign. Last evaluated: 2025-11-01. Review status: criteria provided, single submitter. Criteria: CeGaT Center For Human Genetics Tuebingen Variant Classification Criteria Version 2. Collection method: clinical testing. Allele origin: germline. Affected: yes. Observed: 2 variant alleles.
Comment: MADD: BP4, BP7